The following is an entry in ClinVar:

ClinVar aggregate classification (germline): Uncertain significance. Review status: criteria provided, multiple submitters, no conflicts (2 of 4 stars). 3 submissions from 3 submitters: Uncertain significance (3). Last evaluated 2025-11-19.

Conditions:
Cardiovascular phenotype. Identifiers: MedGen CN230736.
Dilated cardiomyopathy 1O (CMD1O). Also called: CARDIOMYOPATHY, DILATED, WITH VENTRICULAR TACHYCARDIA. Identifiers: Orphanet 154, MedGen C1837839, MONDO:0012062, OMIM 608569.

Allele frequency attached by ClinVar (database versions not stated): ExAC 0.00001; gnomAD exomes 0.00001 and below 0.00001; TOPMed below 0.00001.
gnomAD v4.1: 6 of 1,612,830 alleles (0.00037%); highest among the groups gnomAD compares: Non-Finnish European, 0.00051%; no homozygotes.

Submissions (3):

Labcorp Genetics (formerly Invitae), Labcorp
Classification: Uncertain significance for Dilated cardiomyopathy 1O. Last evaluated: 2025-11-19. Review status: criteria provided, single submitter. Criteria: Invitae Variant Classification Sherloc (09022015). Collection method: clinical testing. Allele origin: germline.
Comment: This sequence change replaces valine, which is neutral and non-polar, with isoleucine, which is neutral and non-polar, at codon 1319 of the ABCC9 protein (p.Val1319Ile). This variant is present in population databases (rs200499616, gnomAD 0.002%). This variant has not been reported in the literature in individuals affected with ABCC9-related conditions. ClinVar contains an entry for this variant (Variation ID: 191583). Invitae Evidence Modeling of protein sequence and biophysical properties (such as structural, functional, and spatial information, amino acid conservation, physicochemical variation, residue mobility, and thermodynamic stability) indicates that this missense variant is expected to disrupt ABCC9 protein function with a positive predictive value of 95%. In summary, the available evidence is currently insufficient to determine the role of this variant in disease. Therefore, it has been classified as a Variant of Uncertain Significance.

Ambry Genetics
Classification: Uncertain significance for Cardiovascular phenotype. Last evaluated: 2024-09-18. Review status: criteria provided, single submitter. Criteria: Ambry Variant Classification Scheme 2023. Collection method: clinical testing. Allele origin: germline.
Comment: The p.V1319I variant (also known as c.3955G>A), located in coding exon 32 of the ABCC9 gene, results from a G to A substitution at nucleotide position 3955. The valine at codon 1319 is replaced by isoleucine, an amino acid with highly similar properties. This alteration has been reported as a secondary cardiac variant in an exome cohort; however, clinical details are limited (Ng D et al. Circ Cardiovasc Genet, 2013 Aug;6:337-46). This amino acid position is highly conserved in available vertebrate species. In addition, the in silico prediction for this alteration is inconclusive. Based on the available evidence, the clinical significance of this variant remains unclear.

Biesecker Lab/Clinical Genomics Section, National Institutes of Health
Classification: Uncertain significance. Last evaluated: 2013-06-24. Review status: criteria provided, single submitter. Criteria: Ng et al. (Circ Cardiovasc Genet. 2013). Collection method: research. Allele origin: unknown. Observed: 1 variant allele. Study: ClinSeq.
Comment: The study set was not selected for affection status in relation to any cancer. Pathogenicity categories were based on literature curation. See Pubmed ID:23861362 for details.

Medical sequencing

Literature cited by the submitters: PubMed 23861362 (cited by Ambry Genetics).

NM_020297.4(ABCC9):c.3955G>A (p.Val1319Ile)

Genes: KCNJ8-AS1 (KCNJ8 antisense RNA 1; plus strand), ABCC9 (ATP binding cassette subfamily C member 9; minus strand). Cytogenetic location: 12p12.1.
Variant type: single nucleotide variant.
Coding change: c.3955G>A on transcript NM_020297.4 (MANE Select); coding-DNA position 3955, G replaced by A.
Protein change: p.Val1319Ile; replaces valine 1319 with isoleucine.
Molecular consequence: missense variant.
Genome position (GRCh38, 1-based): chr12:21,815,831, C>T on the plus strand (G>A on the coding strand, the complement: ABCC9 is on the minus strand). VCF-style: chr12-21815831-C-T. GRCh37 (hg19) VCF-style: chr12-21968765-C-T.
Other names: c.3955G>A, p.Val1319Ile (NM_001377273.1, NM_005691.4); c.3088G>A, p.Val1030Ile (NM_001377274.1); short protein forms V1319I, V1030I.
Identifiers: ClinVar variation 191583 (VCV000191583.4), dbSNP rs200499616, ClinGen allele CA236973.